The following is an entry in ClinVar:

NM_001040105.2(MUC17):c.6869T>C (p.Leu2290Pro)

Gene: MUC17 (mucin 17, cell surface associated; plus strand). Cytogenetic location: 7q22.1.
Variant type: single nucleotide variant.
Coding change: c.6869T>C on transcript NM_001040105.2 (MANE Select); coding-DNA position 6869, T replaced by C.
Protein change: p.Leu2290Pro; replaces leucine 2290 with proline.
Molecular consequence: missense variant. On other transcripts: non-coding transcript variant (1).
Genome position (GRCh38, 1-based): chr7:101,038,285, T>C. VCF-style: chr7-101038285-T-C. GRCh37 (hg19) VCF-style: chr7-100681566-T-C.
Other names: short protein forms L2290P.
Identifiers: ClinVar variation 3219801 (VCV003219801.2), dbSNP rs573682995, ClinGen allele CA4402907.

ClinVar aggregate classification (germline): Uncertain significance (1 of 4 stars; one submission).

Allele frequency attached by ClinVar (database versions not stated): gnomAD exomes below 0.00001; ExAC 0.00001; gnomAD 0.00001; TOPMed 0.00003; 1000 Genomes Project 0.00020; 1000 Genomes Project 30x 0.00031.
gnomAD v4.1: 6 of 1,613,632 alleles (0.00037%); highest among the groups gnomAD compares: Admixed American, 0.0017%; no homozygotes.

Submission:

Ambry Genetics
Classification: Uncertain significance. Last evaluated: 2026-02-10. Review status: criteria provided, single submitter. Criteria: Ambry Variant Classification Scheme 2023. Collection method: clinical testing. Allele origin: germline.
Comment: The c.6869T>C (p.L2290P) alteration is located in exon 3 (coding exon 3) of the MUC17 gene. This alteration results from a T to C substitution at nucleotide position 6869, causing the leucine (L) at amino acid position 2290 to be replaced by a proline (P). Based on data from gnomAD, the C allele has an overall frequency of 0.001% (2/250992) total alleles studied. The highest observed frequency was 0.003% (1/34564) of Latino alleles. Based on insufficient or conflicting evidence, the clinical significance of this alteration remains unclear.